The following is an entry in ClinVar:

NM_144997.7(FLCN):c.1396GTG[1] (p.Val467del)

Gene: FLCN (folliculin; minus strand). Cytogenetic location: 17p11.2.
Variant type: Microsatellite.
Coding change: c.1396GTG[1] on transcript NM_144997.7 (MANE Select); one copy of the 3-base unit GTG starting at c.1396; the reference has two copies in a row; one copy, 3 bases deleted.
Protein change: p.Val467del; deletes valine 467.
Molecular consequence: inframe deletion. On other transcripts: inframe indel (2).
Genome position (GRCh38, 1-based): chr17:17,215,216-17,215,218, CAC deleted on the plus strand (GTG on the coding strand, the reverse complement: FLCN is on the minus strand); deleting any 3 consecutive bases within chr17:17,215,216-17,215,221 gives the same sequence; the position shown is the placement nearest the transcript's 3' end. VCF-style (leftmost placement, unchanged base first): chr17-17215215-TCAC-T. GRCh37 (hg19) VCF-style: chr17-17118529-TCAC-T.
Other names: c.1450GTG[1], p.Val485del (NM_001353229.2); c.1396GTG[1], p.Val467del (NM_001353230.2, NM_001353231.2); c.1396_1398GTG[1], p.Val467del (NM_144997.5); c.1399_1401delGTG (NM_144997.5); short protein forms V485del, V467del.
Identifiers: ClinVar variation 4642956 (VCV004642956.1).

ClinVar aggregate classification (germline): Uncertain significance (1 of 4 stars; one submission).

Conditions:
Hereditary cancer-predisposing syndrome. Also called: Neoplastic Syndromes, Hereditary; Tumor predisposition; Hereditary Cancer Syndrome; Hereditary neoplastic syndrome. Identifiers: Orphanet 140162, MedGen C0027672, MeSH D009386, MONDO:0015356.

Submission:

Ambry Genetics
Classification: Uncertain significance for Hereditary cancer-predisposing syndrome. Last evaluated: 2025-10-15. Review status: criteria provided, single submitter. Criteria: Ambry Variant Classification Scheme 2023. Collection method: clinical testing. Allele origin: germline.
Comment: The c.1399_1401delGTG variant (also known as p.V467del) is located in coding exon 9 of the FLCN gene. This variant results from an in-frame GTG deletion at nucleotide positions 1399 to 1401. This results in the in-frame deletion of a valine at codon 467. This amino acid position is highly conserved in available vertebrate species. In addition, this variant is predicted to be neutral by in silico analysis (Choi Y et al. PLoS ONE. 2012; 7(10):e46688). Based on the available evidence, the clinical significance of this variant remains unclear.